The following is an entry in ClinVar:

NM_000059.4(BRCA2):c.9256+4541G>A

Gene: BRCA2 (BRCA2 DNA repair associated; plus strand). Cytogenetic location: 13q13.1.
Variant type: single nucleotide variant.
Coding change: c.9256+4541G>A on transcript NM_000059.4 (MANE Select); 4541 bases into the intron after coding-DNA position 9256, G replaced by A.
Molecular consequence: intron variant.
Genome position (GRCh38, 1-based): chr13:32,384,686, G>A. VCF-style: chr13-32384686-G-A. GRCh37 (hg19) VCF-style: chr13-32958823-G-A.
Other names: IVS 24+4541G>A.
Identifiers: ClinVar variation 209865 (VCV000209865.1), dbSNP rs188463500, ClinGen allele CA276833.
Genomic context (GRCh38, chr13:32,384,686, plus strand): 5'-CCACTGCAGAACTGCTGCCTAATTCACAGCAACCATGAGTAAAAATGCTGATGATCATCA[G>A]GTCAAGGATAGTCTGGAGCAGTTAAGATGTTACTTTACATGGGAGGTATCAATTAAAGAT-3'

ClinVar aggregate classification (germline): Benign (3 of 4 stars; one submission).

Conditions:
Breast-ovarian cancer, familial, susceptibility to, 2 (BROVCA2). Also called: BRCA2 Hereditary Breast and Ovarian Cancer. Identifiers: Orphanet 145, MedGen C2675520, MONDO:0012933, OMIM 612555. Disease mechanism: loss of function.

Submission:

Evidence-based Network for the Interpretation of Germline Mutant Alleles (ENIGMA)
Classification: Benign for Breast-ovarian cancer, familial 2. Last evaluated: 2015-01-12. Review status: reviewed by expert panel. Criteria: ENIGMA BRCA1/2 Classification Criteria (2015). Collection method: curation. Allele origin: germline.
Comment: Class 1 not pathogenic based on frequency >1% in an outbred sampleset. Frequency 0.01923 (Asian), 0.04268 (African), 0.02243 (European), derived from 1000 genomes (2012-04-30).